The following is an entry in ClinVar:

ClinVar aggregate classification (germline): Conflicting classifications of pathogenicity. Review status: criteria provided, conflicting classifications (1 of 4 stars). 4 submissions from 4 submitters: Uncertain significance (3); Likely benign (1). Last evaluated 2026-01-10.

Conditions:
Hereditary cancer-predisposing syndrome. Also called: Neoplastic Syndromes, Hereditary; Tumor predisposition; Hereditary Cancer Syndrome; Hereditary neoplastic syndrome. Identifiers: Orphanet 140162, MedGen C0027672, MeSH D009386, MONDO:0015356.
Hereditary breast ovarian cancer syndrome. Also called: Breast and ovarian cancer; Hereditary breast and ovarian cancer; Hereditary breast and/or ovarian cancer syndrome; BRCA1- and BRCA2-Associated Hereditary Breast and Ovarian Cancer; Hereditary breast and ovarian cancer syndrome; Hereditary breast and ovarian cancer syndrome (HBOC). Identifiers: Orphanet 145, MedGen C0677776, MeSH D061325, MONDO:0003582. Disease mechanism: loss of function.

Submissions (4):

Labcorp Genetics (formerly Invitae), Labcorp
Classification: Uncertain significance for Hereditary breast ovarian cancer syndrome. Last evaluated: 2026-01-10. Review status: criteria provided, single submitter. Criteria: Invitae Variant Classification Sherloc (09022015). Collection method: clinical testing. Allele origin: germline.
Comment: This sequence change replaces proline, which is neutral and non-polar, with threonine, which is neutral and polar, at codon 983 of the BRCA2 protein (p.Pro983Thr). This variant is not present in population databases (gnomAD no frequency). This variant has not been reported in the literature in individuals affected with BRCA2-related conditions. ClinVar contains an entry for this variant (Variation ID: 141571). Invitae Evidence Modeling of protein sequence and biophysical properties (such as structural, functional, and spatial information, amino acid conservation, physicochemical variation, residue mobility, and thermodynamic stability) indicates that this missense variant is not expected to disrupt BRCA2 protein function with a negative predictive value of 95%. In summary, the available evidence is currently insufficient to determine the role of this variant in disease. Therefore, it has been classified as a Variant of Uncertain Significance.

Color Diagnostics, LLC DBA Color Health
Classification: Uncertain significance for Hereditary cancer-predisposing syndrome. Last evaluated: 2025-07-15. Review status: criteria provided, single submitter. Criteria: ACMG Guidelines, 2015. Collection method: clinical testing. Allele origin: germline.
Comment: This missense variant replaces proline with threonine at codon 983 of the BRCA2 protein. Computational prediction suggests that this variant may not impact protein structure and function. To our knowledge, functional studies have not been reported for this variant. This variant has not been reported in individuals affected with BRCA2-related disorders in the literature. This variant has not been identified in the general population by the Genome Aggregation Database (gnomAD). The available evidence is insufficient to determine the role of this variant in disease conclusively. Therefore, this variant is classified as a Variant of Uncertain Significance.

University of Washington Department of Laboratory Medicine, University of Washington
Classification: Likely benign for Hereditary cancer-predisposing syndrome. Last evaluated: 2023-03-23. Review status: criteria provided, single submitter. Criteria: Dines et al. (Genet Med. 2020). Collection method: curation. Allele origin: germline.
Comment: Missense variant in a coldspot region where missense variants are very unlikely to be pathogenic (PMID:31911673).

BRCA2 exon 11 coldspot. Reclassification based on statistical prior probability.

Ambry Genetics
Classification: Uncertain significance for Hereditary cancer-predisposing syndrome. Last evaluated: 2014-01-20. Review status: criteria provided, single submitter. Criteria: Ambry Autosomal Dominant and X-Linked criteria (10/2015). Collection method: clinical testing. Allele origin: germline. Observed: 1 variant allele.
Comment: The p.P983T variant (also known as c.2947C>A), located in coding exon 10 of the BRCA2 gene, results from a C to A substitution at nucleotide position 2947. The proline at codon 983 is replaced by threonine, an amino acid with some similar properties.This variant was not reported in population based cohorts in the following databases: Database of Single Nucleotide Polymorphisms (dbSNP), NHLBI Exome Sequencing Project (ESP), and 1000 Genomes Project. This amino acid position is poorly conserved in available vertebrate species.In addition, this alteration is predicted to be benign by PolyPhen but deleterious by SIFT in silico analyses. Since supporting evidence is limited at this time, the clinical significance of p.P983T remains unclear.

NM_000059.4(BRCA2):c.2947C>A (p.Pro983Thr)

Gene: BRCA2 (BRCA2 DNA repair associated; plus strand). Cytogenetic location: 13q13.1.
Variant type: single nucleotide variant.
Coding change: c.2947C>A on transcript NM_000059.4 (MANE Select); coding-DNA position 2947, C replaced by A.
Protein change: p.Pro983Thr; replaces proline 983 with threonine.
Molecular consequence: missense variant.
Genome position (GRCh38, 1-based): chr13:32,337,302, C>A. VCF-style: chr13-32337302-C-A. GRCh37 (hg19) VCF-style: chr13-32911439-C-A.
Other names: short protein forms P983T.
Identifiers: ClinVar variation 141571 (VCV000141571.9), dbSNP rs587781848, ClinGen allele CA016868.